The following is an entry in ClinVar:

NM_000218.3(KCNQ1):c.1514+1508G>A

Genes: KCNQ1 (potassium voltage-gated channel subfamily Q member 1; plus strand), KCNQ1OT1 (KCNQ1 opposite strand/antisense transcript 1; minus strand). Cytogenetic location: 11p15.5.
Variant type: single nucleotide variant.
Coding change: c.1514+1508G>A on transcript NM_000218.3 (MANE Select); 1508 bases into the intron after coding-DNA position 1514, G replaced by A.
Molecular consequence: intron variant. On other transcripts: non-coding transcript variant (1).
Genome position (GRCh38, 1-based): chr11:2,663,589, G>A. VCF-style: chr11-2663589-G-A. GRCh37 (hg19) VCF-style: chr11-2684819-G-A.
Other names: c.1244+1508G>A (NM_001406837.1); c.1418+1508G>A (NM_001406836.1); c.974+1508G>A (NM_001406838.1); c.1133+1508G>A (NM_181798.2).
Identifiers: ClinVar variation 3032267 (VCV003032267.4), dbSNP rs148678221, ClinGen allele CA216172499.
Genomic context (GRCh38, chr11:2,663,589, plus strand): 5'-CAGAGAGGGGACTGTCCCTTCTCATCCTTCTGGCTGCTTGCTTCTCCTGTTGGAGCTCTC[G>A]CTCACCTTGGTTCTCTTGGTCACGGACCAGCATCCAGACATGCAAAAAGTCCTACTGGGA-3'

ClinVar aggregate classification (germline): Likely benign. Review status: criteria provided, single submitter (1 of 4 stars). 2 submissions from 2 submitters: Likely benign (1). 1 of the submissions does not count toward it. Last evaluated 2026-07-01.

Conditions:
KCNQ1-related disorder. Also called: KCNQ1-related condition; KCNQ1-related disorders. Identifiers: MedGen CN239322.

Allele frequency attached by ClinVar (database versions not stated): gnomAD exomes 0.00020; 1000 Genomes Project 30x 0.00078; 1000 Genomes Project 0.00080; gnomAD 0.00109; TOPMed 0.00125.
gnomAD v4.1: 230 of 398,572 alleles (0.058%); highest among the groups gnomAD compares: African/African-American, 0.36%; 1 homozygote.

Submissions (2):

CeGaT Center for Human Genetics Tuebingen
Classification: Likely benign. Last evaluated: 2026-07-01. Review status: criteria provided, single submitter. Criteria: CeGaT Center For Human Genetics Tuebingen Variant Classification Criteria Version 2. Collection method: clinical testing. Allele origin: germline. Affected: yes. Observed: 2 variant alleles.
Comment: KCNQ1OT1: BS1

PreventionGenetics, part of Exact Sciences
Classification: Likely benign for KCNQ1-related condition. Last evaluated: 2022-12-27. Review status: no assertion criteria provided. Collection method: clinical testing. Allele origin: germline. Not counted in ClinVar's aggregate classification.
Comment: This variant is classified as likely benign based on ACMG/AMP sequence variant interpretation guidelines (Richards et al. 2015 PMID: 25741868, with internal and published modifications).